The following is an entry in ClinVar:

ClinVar aggregate classification (germline): Pathogenic (1 of 4 stars; one submission).

Conditions:
Pitt-Hopkins-like syndrome 2 (PTHSL2). Identifiers: Orphanet 221150, Orphanet 600663, MedGen C3280479, MONDO:0013690, OMIM 614325.

Submission:

Labcorp Genetics (formerly Invitae), Labcorp
Classification: Pathogenic for Pitt-Hopkins-like syndrome 2. Last evaluated: 2023-08-17. Review status: criteria provided, single submitter. Criteria: Invitae Variant Classification Sherloc (09022015). Collection method: clinical testing. Allele origin: unknown.
Comment: For these reasons, this variant has been classified as Pathogenic. This variant has not been reported in the literature in individuals affected with NRXN1-related conditions. This variant is a gross deletion of the genomic region encompassing exon(s) 20 of the NRXN1 gene. This deletion is out-of-frame, and is expected to create a premature termination codon and result in an absent or disrupted protein product. Loss-of-function variants in NRXN1 are known to be pathogenic (PMID: 19896112, 21964664, 23495017, 23533028, 25149956, 30031152).

Literature cited by the submitters: PubMed 19896112; PubMed 21964664; PubMed 23495017; PubMed 23533028; PubMed 25149956; PubMed 30031152.

NC_000002.11:g.(?_50318441)_(50318652_?)del

Gene: NRXN1 (neurexin 1; minus strand). Cytogenetic location: 2p16.3.
Variant type: Deletion.
Identifiers: ClinVar variation 3247383 (VCV003247383.1).